The following is an entry in ClinVar:

NM_003801.4(GPAA1):c.1709C>T (p.Ala570Val)

Gene: GPAA1 (glycosylphosphatidylinositol anchor attachment 1; plus strand). Cytogenetic location: 8q24.3.
Variant type: single nucleotide variant.
Coding change: c.1709C>T on transcript NM_003801.4 (MANE Select); coding-DNA position 1709, C replaced by T.
Protein change: p.Ala570Val; replaces alanine 570 with valine.
Molecular consequence: missense variant.
Genome position (GRCh38, 1-based): chr8:144,085,968, C>T. VCF-style: chr8-144085968-C-T. GRCh37 (hg19) VCF-style: chr8-145140871-C-T.
Other names: c.1709C>T (NM_003801.3); short protein forms A570V.
Identifiers: ClinVar variation 1377653 (VCV001377653.7), dbSNP rs782774305, ClinGen allele CA4933242.

ClinVar aggregate classification (germline): Uncertain significance. Review status: criteria provided, multiple submitters, no conflicts (2 of 4 stars). 2 submissions from 2 submitters: Uncertain significance (2). Last evaluated 2025-11-23.

Conditions:
Inborn genetic diseases. Identifiers: MedGen C0950123, MeSH D030342.

Allele frequency attached by ClinVar (database versions not stated): gnomAD 0.00001 and 0.00002; TOPMed 0.00005; ExAC 0.00003; gnomAD exomes 0.00001.
gnomAD v4.1: 22 of 1,606,252 alleles (0.0014%); highest among the groups gnomAD compares: African/African-American, 0.013%; no homozygotes.

Submissions (2):

Ambry Genetics
Classification: Uncertain significance for Inborn genetic diseases. Last evaluated: 2025-11-23. Review status: criteria provided, single submitter. Criteria: Ambry Variant Classification Scheme 2023. Collection method: clinical testing. Allele origin: germline.

Labcorp Genetics (formerly Invitae), Labcorp
Classification: Uncertain significance. Last evaluated: 2024-11-05. Review status: criteria provided, single submitter. Criteria: Invitae Variant Classification Sherloc (09022015). Collection method: clinical testing. Allele origin: germline.
Comment: This sequence change replaces alanine, which is neutral and non-polar, with valine, which is neutral and non-polar, at codon 570 of the GPAA1 protein (p.Ala570Val). This variant is present in population databases (rs782774305, gnomAD 0.02%). This variant has not been reported in the literature in individuals affected with GPAA1-related conditions. ClinVar contains an entry for this variant (Variation ID: 1377653). An algorithm developed to predict the effect of missense changes on protein structure and function outputs the following: PolyPhen-2: "Benign". The valine amino acid residue is found in multiple mammalian species, which suggests that this missense change does not adversely affect protein function. In summary, the available evidence is currently insufficient to determine the role of this variant in disease. Therefore, it has been classified as a Variant of Uncertain Significance.